The following is an entry in ClinVar:

NM_002335.4(LRP5):c.1440G>T (p.Glu480Asp)

Gene: LRP5 (LDL receptor related protein 5; plus strand). Cytogenetic location: 11q13.2.
Variant type: single nucleotide variant.
Coding change: c.1440G>T on transcript NM_002335.4 (MANE Select); coding-DNA position 1440, G replaced by T.
Protein change: p.Glu480Asp; replaces glutamic acid 480 with aspartic acid.
Molecular consequence: missense variant. On other transcripts: intron variant (1).
Genome position (GRCh38, 1-based): chr11:68,389,908, G>T. VCF-style: chr11-68389908-G-T. GRCh37 (hg19) VCF-style: chr11-68157376-G-T.
Other names: c.-354+3196G>T (NM_001291902.2); short protein forms E480D.
Identifiers: ClinVar variation 2503194 (VCV002503194.1), dbSNP rs2496621838, ClinGen allele CA381612967.

ClinVar aggregate classification (germline): Uncertain significance (1 of 4 stars; one submission).

Allele frequency attached by ClinVar (database versions not stated): gnomAD exomes 0.00001.
gnomAD v4.1: 5 of 1,614,266 alleles (0.00031%); highest among the groups gnomAD compares: Non-Finnish European, 0.00042%; no homozygotes.

Submission:

GeneDx
Classification: Uncertain significance. Last evaluated: 2022-11-23. Review status: criteria provided, single submitter. Criteria: GeneDx Variant Classification Process June 2021. Collection method: clinical testing. Allele origin: germline. Affected: yes.
Comment: Not observed at significant frequency in large population cohorts (gnomAD); In silico analysis supports that this missense variant does not alter protein structure/function; Has not been previously published as pathogenic or benign to our knowledge